The following is an entry in ClinVar:

ClinVar aggregate classification (germline): Uncertain significance (1 of 4 stars; one submission).

Submission:

GeneDx
Classification: Uncertain significance. Last evaluated: 2022-12-28. Review status: criteria provided, single submitter. Criteria: GeneDx Variant Classification Process June 2021. Collection method: clinical testing. Allele origin: germline. Affected: yes.
Comment: Not observed at significant frequency in large population cohorts (gnomAD); In silico analysis supports that this missense variant does not alter protein structure/function; Has not been previously published as pathogenic or benign to our knowledge

NM_006147.4(IRF6):c.1040G>A (p.Cys347Tyr)

Gene: IRF6 (interferon regulatory factor 6; minus strand). Cytogenetic location: 1q32.2.
Variant type: single nucleotide variant.
Coding change: c.1040G>A on transcript NM_006147.4 (MANE Select); coding-DNA position 1040, G replaced by A.
Protein change: p.Cys347Tyr; replaces cysteine 347 with tyrosine.
Molecular consequence: missense variant.
Genome position (GRCh38, 1-based): chr1:209,790,515, C>T on the plus strand (G>A on the coding strand, the complement: IRF6 is on the minus strand). VCF-style: chr1-209790515-C-T. GRCh37 (hg19) VCF-style: chr1-209963860-C-T.
Other names: c.755G>A, p.Cys252Tyr (NM_001206696.2); short protein forms C252Y, C347Y.
Identifiers: ClinVar variation 2507186 (VCV002507186.1), dbSNP rs2464669559, ClinGen allele CA344575111.